The following is an entry in ClinVar:

NM_020922.5(WNK3):c.656G>C (p.Gly219Ala)

Gene: WNK3 (WNK lysine deficient protein kinase 3; minus strand). Cytogenetic location: Xp11.22.
Variant type: single nucleotide variant.
Coding change: c.656G>C on transcript NM_020922.5 (MANE Select); coding-DNA position 656, G replaced by C.
Protein change: p.Gly219Ala; replaces glycine 219 with alanine.
Molecular consequence: missense variant.
Genome position (GRCh38, 1-based): chrX:54,311,173, C>G on the plus strand (G>C on the coding strand, the complement: WNK3 is on the minus strand). VCF-style: chrX-54311173-C-G. GRCh37 (hg19) VCF-style: chrX-54337606-C-G.
Other names: c.656G>C, p.Gly219Ala (NM_001002838.4, NM_001395166.1); short protein forms G219A.
Identifiers: ClinVar variation 3253137 (VCV003253137.1), dbSNP rs2521949144.

ClinVar aggregate classification (germline): Uncertain significance (1 of 4 stars; one submission).

Submission:

GeneDx
Classification: Uncertain significance. Last evaluated: 2023-12-10. Review status: criteria provided, single submitter. Criteria: GeneDx Variant Classification Process June 2021. Collection method: clinical testing. Allele origin: germline. Affected: yes.
Comment: Has not been previously published as pathogenic or benign to our knowledge; Not observed at significant frequency in large population cohorts (gnomAD); In silico analysis supports that this missense variant has a deleterious effect on protein structure/function